The following is an entry in ClinVar:

NM_000540.3(RYR1):c.10492C>T (p.Arg3498Cys)

Gene: RYR1 (ryanodine receptor 1; plus strand). Cytogenetic location: 19q13.2.
Variant type: single nucleotide variant.
Coding change: c.10492C>T on transcript NM_000540.3 (MANE Select); coding-DNA position 10492, C replaced by T.
Protein change: p.Arg3498Cys; replaces arginine 3498 with cysteine.
Molecular consequence: missense variant.
Genome position (GRCh38, 1-based): chr19:38,525,368, C>T. VCF-style: chr19-38525368-C-T. GRCh37 (hg19) VCF-style: chr19-39016008-C-T.
Other names: c.10477C>T, p.Arg3493Cys (NM_001042723.2); short protein forms R3493C, R3498C.
Identifiers: ClinVar variation 4527046 (VCV004527046.2).

ClinVar aggregate classification (germline): Uncertain significance. Review status: criteria provided, multiple submitters, no conflicts (2 of 4 stars). 2 submissions from 2 submitters: Uncertain significance (2). Last evaluated 2025-09-04.

Conditions:
Malignant hyperthermia, susceptibility to, 1 (MHS1). Also called: Anesthesia related hyperthermia; Malignant hyperpyrexia; Fulminating hyperpyrexia; Pharmacogenic myopathy; Malignant hyperthermia suceptibility 1; RYR1-Related Malignant Hyperthermia Susceptibility. Identifiers: Orphanet 423, MedGen C2930980, MONDO:0007783, OMIM 145600.

gnomAD v4.1: 17 of 1,613,946 alleles (0.0011%); highest among the groups gnomAD compares: Non-Finnish European, 0.0012%; no homozygotes.

Submissions (2):

Color Diagnostics, LLC DBA Color Health
Classification: Uncertain significance for Malignant hyperthermia, susceptibility to, 1. Last evaluated: 2025-09-04. Review status: criteria provided, single submitter. Criteria: ACMG Guidelines, 2015. Collection method: clinical testing. Allele origin: germline.
Comment: This missense variant replaces arginine with cysteine at codon 3498 of the RYR1 protein. Computational prediction is inconclusive regarding the impact of this variant on protein structure and function. To our knowledge, functional studies have not been reported for this variant. This variant has not been reported in individuals affected with RYR1-related disorders in the literature. This variant has been identified in 3/251258 chromosomes in the general population by the Genome Aggregation Database (gnomAD). The available evidence is insufficient to determine the role of this variant in disease conclusively. Therefore, this variant is classified as a Variant of Uncertain Significance.

GeneDx
Classification: Uncertain significance. Last evaluated: 2025-05-09. Review status: criteria provided, single submitter. Criteria: GeneDx Variant Classification Process June 2021. Collection method: clinical testing. Allele origin: germline. Affected: yes.
Comment: Not observed at significant frequency in large population cohorts (gnomAD); In silico analysis supports that this missense variant has a deleterious effect on protein structure/function; Has not been previously published as pathogenic or benign to our knowledge